The following is an entry in ClinVar:

ClinVar aggregate classification (germline): Uncertain significance (1 of 4 stars; one submission).

Conditions:
Hepatic veno-occlusive disease-immunodeficiency syndrome. Also called: Hepatic Veno-Occlusive Disease with Immunodeficiency. Identifiers: Orphanet 79124, MedGen C1856128, MONDO:0009338, OMIM 235550. Disease mechanism: loss of function.

Allele frequency attached by ClinVar (database versions not stated): TOPMed 0.00002; ExAC 0.00003.
gnomAD v4.1: 40 of 1,613,812 alleles (0.0025%); highest among the groups gnomAD compares: South Asian, 0.012%; 1 homozygote.

Submission:

Labcorp Genetics (formerly Invitae), Labcorp
Classification: Uncertain significance for Hepatic veno-occlusive disease-immunodeficiency syndrome. Last evaluated: 2024-10-26. Review status: criteria provided, single submitter. Criteria: Invitae Variant Classification Sherloc (09022015). Collection method: clinical testing. Allele origin: germline.
Comment: This sequence change replaces arginine, which is basic and polar, with cysteine, which is neutral and slightly polar, at codon 519 of the SP110 protein (p.Arg519Cys). This variant is present in population databases (rs765616523, gnomAD 0.007%). This variant has not been reported in the literature in individuals affected with SP110-related conditions. ClinVar contains an entry for this variant (Variation ID: 534650). An algorithm developed to predict the effect of missense changes on protein structure and function outputs the following: PolyPhen-2: "Benign". The cysteine amino acid residue is found in multiple mammalian species, which suggests that this missense change does not adversely affect protein function. In summary, the available evidence is currently insufficient to determine the role of this variant in disease. Therefore, it has been classified as a Variant of Uncertain Significance.

NM_080424.4(SP110):c.1555C>T (p.Arg519Cys)

Gene: SP110 (SP110 nuclear body protein; minus strand). Cytogenetic location: 2q37.1.
Variant type: single nucleotide variant.
Coding change: c.1555C>T on transcript NM_080424.4 (MANE Select); coding-DNA position 1555, C replaced by T.
Protein change: p.Arg519Cys; replaces arginine 519 with cysteine.
Molecular consequence: missense variant.
Genome position (GRCh38, 1-based): chr2:230,177,573, G>A on the plus strand (C>T on the coding strand, the complement: SP110 is on the minus strand). VCF-style: chr2-230177573-G-A. GRCh37 (hg19) VCF-style: chr2-231042289-G-A.
Other names: c.1573C>T, p.Arg525Cys (NM_001185015.2, NM_001378442.1, NM_001378444.1 and 2 more transcripts); c.1555C>T, p.Arg519Cys (NM_001378443.1, NM_004509.5, NM_004510.4); c.1405C>T, p.Arg469Cys (NM_001378447.1); short protein forms R519C, R525C, R469C.
Identifiers: ClinVar variation 534650 (VCV000534650.7), dbSNP rs765616523, ClinGen allele CA2154466.